The following is an entry in ClinVar:

ClinVar aggregate classification (germline): Pathogenic (1 of 4 stars; one submission).

Submission:

Labcorp Genetics (formerly Invitae), Labcorp
Classification: Pathogenic. Last evaluated: 2022-07-26. Review status: criteria provided, single submitter. Criteria: Invitae Variant Classification Sherloc (09022015). Collection method: clinical testing. Allele origin: germline.
Comment: For these reasons, this variant has been classified as Pathogenic. Advanced modeling of protein sequence and biophysical properties (such as structural, functional, and spatial information, amino acid conservation, physicochemical variation, residue mobility, and thermodynamic stability) performed at Invitae indicates that this missense variant is expected to disrupt COL11A1 protein function. This missense change has been observed in individual(s) with clinical features of autosomal dominant Stickler syndrome (Invitae). It has also been observed to segregate with disease in related individuals. This variant is not present in population databases (gnomAD no frequency). This sequence change replaces glycine, which is neutral and non-polar, with aspartic acid, which is acidic and polar, at codon 1522 of the COL11A1 protein (p.Gly1522Asp).

NM_001854.4(COL11A1):c.4565G>A (p.Gly1522Asp)

Gene: COL11A1 (collagen type XI alpha 1 chain; minus strand). Cytogenetic location: 1p21.1.
Variant type: single nucleotide variant.
Coding change: c.4565G>A on transcript NM_001854.4 (MANE Select); coding-DNA position 4565, G replaced by A.
Protein change: p.Gly1522Asp; replaces glycine 1522 with aspartic acid.
Molecular consequence: missense variant. On other transcripts: non-coding transcript variant (1).
Genome position (GRCh38, 1-based): chr1:102,888,620, C>T on the plus strand (G>A on the coding strand, the complement: COL11A1 is on the minus strand). VCF-style: chr1-102888620-C-T. GRCh37 (hg19) VCF-style: chr1-103354176-C-T.
Other names: c.4217G>A, p.Gly1406Asp (NM_001168249.1, NM_080630.4); c.4448G>A, p.Gly1483Asp (NM_001190709.2); c.4601G>A, p.Gly1534Asp (NM_080629.3); short protein forms G1406D, G1483D, G1522D, G1534D.
Identifiers: ClinVar variation 2095627 (VCV002095627.4), dbSNP rs1651323625, ClinGen allele CA341212344.
Genomic context (GRCh38, chr1:102,888,620, plus strand): 5'-TGTTAACATATACTTACTGGAGACCCAGGAGGCCCTGGAAGACCACTGTCACCTTTCTGG[C>T]CAGCGGGTCCCTGTTAGAAAGAAGAGAGAGGACATAAATAAAGAAGAGGCAATTAAATAG-3'
Protein context (NP_001845.3, residues 1512-1532): KGNKGSTGPA[Gly1522Asp]QKGDSGLPGP